The following is an entry in ClinVar:

ClinVar aggregate classification (germline): Uncertain significance (1 of 4 stars; one submission).

Submission:

Women's Health and Genetics/Laboratory Corporation of America, LabCorp
Classification: Uncertain significance. Last evaluated: 2025-01-06. Review status: criteria provided, single submitter. Criteria: LabCorp Variant Classification Summary - May 2015. Collection method: clinical testing. Allele origin: germline.
Comment: Variant summary: PEX6 c.248T>C (p.Leu83Pro) results in a non-conservative amino acid change in the encoded protein sequence. Three of four in-silico tools predict a damaging effect of the variant on protein function. The frequency data for this variant in gnomAD is considered unreliable, as metrics indicate poor data quality at this position. c.248T>C has been reported in the literature in at least one individual affected with Zellweger Syndrome (e.g. Yu_2019). These data do not allow any conclusion about variant significance. To our knowledge, no experimental evidence demonstrating an impact on protein function has been reported. The following publication has been ascertained in the context of this evaluation (PMID: 31555682). No submitters have cited clinical-significance assessments for this variant to ClinVar. Based on the evidence outlined above, the variant was classified as uncertain significance.

Literature cited by the submitters: PubMed 31555682.

NM_000287.4(PEX6):c.248T>C (p.Leu83Pro)

Gene: PEX6 (peroxisomal biogenesis factor 6; minus strand). Cytogenetic location: 6p21.1.
Variant type: single nucleotide variant.
Coding change: c.248T>C on transcript NM_000287.4 (MANE Select); coding-DNA position 248, T replaced by C.
Protein change: p.Leu83Pro; replaces leucine 83 with proline.
Molecular consequence: missense variant. On other transcripts: non-coding transcript variant (1).
Genome position (GRCh38, 1-based): chr6:42,978,903, A>G on the plus strand (T>C on the coding strand, the complement: PEX6 is on the minus strand). VCF-style: chr6-42978903-A-G. GRCh37 (hg19) VCF-style: chr6-42946641-A-G.
Other names: c.248T>C, p.Leu83Pro (NM_001316313.2); short protein forms L83P.
Identifiers: ClinVar variation 3769248 (VCV003769248.2).
Genomic context (GRCh38, chr6:42,978,903, plus strand): 5'-AGCGCCGGGGGCCGCCGCACCGCCCGCGCCCGCACCCAGGCCCCGGAGCCCAGTGCCAGG[A>G]GCCGCAGCAGCGCGCGGCTAACCAGTAGCTGCGGCGGCCCGGGACCCTGCTCTTCGGTGC-3'
Protein context (NP_000278.3, residues 73-93): QLLVSRALLR[Leu83Pro]LALGSGAWVR